The following is an entry in ClinVar:

ClinVar aggregate classification (germline): Uncertain significance (1 of 4 stars; one submission).

Conditions:
Hypertrophic cardiomyopathy 14. Identifiers: MedGen C2750467, MONDO:0013197, OMIM 613251.

gnomAD v4.1: 3 of 1,614,210 alleles (0.00019%); highest among the groups gnomAD compares: Admixed American, 0.0033%; no homozygotes.

Submission:

Labcorp Genetics (formerly Invitae), Labcorp
Classification: Uncertain significance for Hypertrophic cardiomyopathy 14. Last evaluated: 2017-07-26. Review status: criteria provided, single submitter. Criteria: Invitae Variant Classification Sherloc (09022015). Collection method: clinical testing. Allele origin: germline.
Comment: This sequence change replaces serine with arginine at codon 417 of the MYH6 protein (p.Ser417Arg). The serine residue is weakly conserved and there is a moderate physicochemical difference between serine and arginine. This variant is not present in population databases (ExAC no frequency). This variant has not been reported in the literature in individuals with MYH6-related disease. Algorithms developed to predict the effect of missense changes on protein structure and function (SIFT, PolyPhen-2, Align-GVGD) all suggest that this variant is likely to be tolerated, but these predictions have not been confirmed by published functional studies and their clinical significance is uncertain. In summary, the available evidence is currently insufficient to determine the role of this variant in disease. Therefore, it has been classified as a Variant of Uncertain Significance.

NM_002471.4(MYH6):c.1251C>A (p.Ser417Arg)

Gene: MYH6 (myosin heavy chain 6; minus strand). Cytogenetic location: 14q11.2.
Variant type: single nucleotide variant.
Coding change: c.1251C>A on transcript NM_002471.4 (MANE Select); coding-DNA position 1251, C replaced by A.
Protein change: p.Ser417Arg; replaces serine 417 with arginine.
Molecular consequence: missense variant.
Genome position (GRCh38, 1-based): chr14:23,400,868, G>T on the plus strand (C>A on the coding strand, the complement: MYH6 is on the minus strand). VCF-style: chr14-23400868-G-T. GRCh37 (hg19) VCF-style: chr14-23870077-G-T.
Other names: short protein forms S417R.
Identifiers: ClinVar variation 470506 (VCV000470506.1), dbSNP rs543839082, ClinGen allele CA389024099.
Genomic context (GRCh38, chr14:23,400,868, plus strand): 5'-GAACATCTTCTCATACACTGCCTTGGCCAGAGCCCCGATGGAGTAGTACACCTGCTGCAC[G>T]CTCTGCCCCTTGGTGACATACTCGTTGCCCACTTTCACCCGAGGGTGGCACAGCCCCTTG-3'
Protein context (NP_002462.2, residues 407-427): VGNEYVTKGQ[Ser417Arg]VQQVYYSIGA